The following is an entry in ClinVar:

ClinVar aggregate classification (germline): Conflicting classifications of pathogenicity. Review status: criteria provided, conflicting classifications (1 of 4 stars). 3 submissions from 3 submitters: Likely pathogenic (1); Uncertain significance (2). Last evaluated 2026-04-14.

Conditions:
Familial intrahepatic cholestasis. Identifiers: Orphanet 284385, MedGen CN296401, MONDO:0017290.
Progressive familial intrahepatic cholestasis type 1. Also called: BYLER DISEASE; Severe ATP8B1 Deficiency (Progressive Familial Intrahepatic Cholestasis Type 1 [PFIC1]); Byler's disease. Identifiers: Orphanet 79306, MedGen C4551898, MONDO:0008892, OMIM 211600.

Allele frequency attached by ClinVar (database versions not stated): gnomAD exomes below 0.00001.
gnomAD v4.1: 2 of 1,613,746 alleles (0.00012%); highest among the groups gnomAD compares: Middle Eastern, 0.016%; no homozygotes.

Submissions (3):

Genomenon, Inc
Classification: Uncertain significance for Familial intrahepatic cholestasis. Last evaluated: 2026-04-14. Review status: criteria provided, single submitter. Criteria: Genomenon Sequence Variant Interpretation Standards - Updated. Collection method: curation. Allele origin: germline. Affected: no.
Comment: ABCB4 p.Pro404Ala (c.1210C>G) is a missense variant that changes the amino acid at residue 404 from Proline to Alanine. This variant has been reported in the published literature (PMID:31538484). It is absent or not present at a significant frequency in gnomAD. In silico models predict that this variant is possibly or probably damaging. In conclusion, we classify ABCB4 p.Pro404Ala (c.1210C>G) as a variant of uncertain significance.

Women's Health and Genetics/Laboratory Corporation of America, LabCorp
Classification: Uncertain significance. Last evaluated: 2024-09-10. Review status: criteria provided, single submitter. Criteria: LabCorp Variant Classification Summary - May 2015. Collection method: clinical testing. Allele origin: germline.
Comment: Variant summary: ABCB4 c.1210C>G (p.Pro404Ala) results in a non-conservative amino acid change located in the ABC transporter-like, ATP-binding domain (IPR003439) of the encoded protein sequence. Five of five in-silico tools predict a damaging effect of the variant on protein function. The variant was absent in 251224 control chromosomes. The available data on variant occurrences in the general population are insufficient to allow any conclusion about variant significance. c.1210C>G has been reported in the literature in an individuals affected with Familial Intrahepatic Cholestasis (Huynh_2019). These data do not allow any conclusion about variant significance. To our knowledge, no experimental evidence demonstrating an impact on protein function has been reported. The following publication have been ascertained in the context of this evaluation (PMID: 31538484). ClinVar contains an entry for this variant (Variation ID: 242455). Based on the evidence outlined above, the variant was classified as uncertain significance.

Mendelics
Classification: Likely pathogenic for Progressive familial intrahepatic cholestasis type 1. Last evaluated: 2019-05-28. Review status: criteria provided, single submitter. Criteria: Mendelics Assertion Criteria 2017. Collection method: clinical testing. Allele origin: unknown.

Literature cited by the submitters: PubMed 31538484 (cited by Genomenon, Inc and Women's Health and Genetics/Laboratory Corporation of America, LabCorp).

NM_000443.4(ABCB4):c.1210C>G (p.Pro404Ala)

Gene: ABCB4 (ATP binding cassette subfamily B member 4; minus strand). Cytogenetic location: 7q21.12.
Variant type: single nucleotide variant.
Coding change: c.1210C>G on transcript NM_000443.4 (MANE Select); coding-DNA position 1210, C replaced by G.
Protein change: p.Pro404Ala; replaces proline 404 with alanine.
Molecular consequence: missense variant.
Genome position (GRCh38, 1-based): chr7:87,443,683, G>C on the plus strand (C>G on the coding strand, the complement: ABCB4 is on the minus strand). VCF-style: chr7-87443683-G-C. GRCh37 (hg19) VCF-style: chr7-87072999-G-C.
Other names: c.1210C>G, p.Pro404Ala (NM_018849.3, NM_018850.3); short protein forms P404A.
Identifiers: ClinVar variation 242455 (VCV000242455.4), dbSNP rs863225298, ClinGen allele CA085475.